The following is an entry in ClinVar:

ClinVar aggregate classification (germline): Likely benign. Review status: criteria provided, multiple submitters, no conflicts (2 of 4 stars). 2 submissions from 2 submitters: Likely benign (2). Last evaluated 2026-07-22.

Conditions:
LOXHD1-related disorder. Also called: LOXHD1-related condition.

Allele frequency attached by ClinVar (database versions not stated): TOPMed below 0.00001.
gnomAD v4.1: 4 of 1,551,962 alleles (0.00026%); highest among the groups gnomAD compares: Admixed American, 0.0078%; no homozygotes.

Submissions (2):

PreventionGenetics, part of Exact Sciences
Classification: Likely benign for LOXHD1-related condition. Last evaluated: 2026-07-22. Review status: criteria provided, single submitter. Criteria: ACMG Guidelines, 2015. Collection method: clinical testing. Allele origin: germline.
Comment: This variant is classified as likely benign based on ACMG/AMP sequence variant interpretation guidelines (Richards et al. 2015 PMID: 25741868, with internal and published modifications).

Labcorp Genetics (formerly Invitae), Labcorp
Classification: Likely benign. Last evaluated: 2023-07-31. Review status: criteria provided, single submitter. Criteria: Invitae Variant Classification Sherloc (09022015). Collection method: clinical testing. Allele origin: germline.

NM_001384474.1(LOXHD1):c.6561G>A (p.Lys2187=)

Gene: LOXHD1 (lipoxygenase homology PLAT domains 1; minus strand). Cytogenetic location: 18q21.1.
Variant type: single nucleotide variant.
Coding change: c.6561G>A on transcript NM_001384474.1 (MANE Select); coding-DNA position 6561, G replaced by A.
Protein change: p.Lys2187=; no amino-acid change (lysine 2187 retained).
Molecular consequence: synonymous variant.
Genome position (GRCh38, 1-based): chr18:46,477,733, C>T on the plus strand (G>A on the coding strand, the complement: LOXHD1 is on the minus strand). VCF-style: chr18-46477733-C-T. GRCh37 (hg19) VCF-style: chr18-44057696-C-T.
Other names: c.3228G>A, p.Lys1076= (NM_001145472.3); c.1278G>A, p.Lys426= (NM_001145473.3, NM_001173129.2); c.2940G>A, p.Lys980= (NM_001308013.2); c.6375G>A, p.Lys2125= (NM_144612.7); c.6375G>A (NM_144612.6).
Identifiers: ClinVar variation 1942493 (VCV001942493.6), dbSNP rs892775507, ClinGen allele CA299792347.
Genomic context (GRCh38, chr18:46,477,733, plus strand): 5'-GAAGAAGCGGTCTGTGCTGCCCCGCTCGAAGAGGTTGCGCATTTTCTGCTTCAGCTCCCG[C>T]TTGCCTGTGTCTCCGTTGGCCCCAAAGATGGTCACGAAGACGTTGGCATCAGTGCCTGCC-3'
Protein context (NP_001371403.1, residues 2177-2197): TIFGANGDTG[Lys2187=]RELKQKMRNL